The following is an entry in ClinVar:

NM_001080467.3(MYO5B):c.2995C>T (p.Arg999Cys)

Gene: MYO5B (myosin VB; minus strand). Cytogenetic location: 18q21.1.
Variant type: single nucleotide variant.
Coding change: c.2995C>T on transcript NM_001080467.3 (MANE Select); coding-DNA position 2995, C replaced by T.
Protein change: p.Arg999Cys; replaces arginine 999 with cysteine.
Molecular consequence: missense variant.
Genome position (GRCh38, 1-based): chr18:49,894,991, G>A on the plus strand (C>T on the coding strand, the complement: MYO5B is on the minus strand). VCF-style: chr18-49894991-G-A. GRCh37 (hg19) VCF-style: chr18-47421361-G-A.
Other names: c.2995C>T (NM_001080467.2); short protein forms R999C.
Identifiers: ClinVar variation 1038856 (VCV001038856.9), dbSNP rs755870645, ClinGen allele CA8960881.

ClinVar aggregate classification (germline): Uncertain significance. Review status: criteria provided, multiple submitters, no conflicts (2 of 4 stars). 5 submissions from 5 submitters: Uncertain significance (5). Last evaluated 2025-12-23.

Conditions:
Inborn genetic diseases. Identifiers: MedGen C0950123, MeSH D030342.
Cholestasis, progressive familial intrahepatic, 10 (PFIC10). Identifiers: MedGen C5676981, MONDO:0030810, OMIM 619868.
MYO5B-related disorder. Also called: MYO5B-related condition.

Allele frequency attached by ClinVar (database versions not stated): ExAC 0.00002; gnomAD exomes 0.00004; TOPMed 0.00005.
gnomAD v4.1: 66 of 1,613,602 alleles (0.0041%); highest among the groups gnomAD compares: Middle Eastern, 0.049%; no homozygotes.

Submissions (5):

PreventionGenetics, part of Exact Sciences
Classification: Uncertain significance for MYO5B-related condition. Last evaluated: 2025-12-23. Review status: criteria provided, single submitter. Criteria: ACMG Guidelines, 2015. Collection method: clinical testing. Allele origin: germline.
Comment: The MYO5B c.2995C>T variant is predicted to result in the amino acid substitution p.Arg999Cys. To our knowledge, this variant has not been reported in the literature. This variant is reported in 0.0055% of alleles in individuals of European (non-Finnish) descent in gnomAD. At this time, the clinical significance of this variant is uncertain due to the absence of conclusive functional and genetic evidence.

MGZ Medical Genetics Center
Classification: Uncertain significance for Cholestasis, progressive familial intrahepatic, 10. Last evaluated: 2022-08-31. Review status: criteria provided, single submitter. Criteria: ACMG Guidelines, 2015. Collection method: clinical testing. Allele origin: germline. Affected: yes. Observed: 1 variant allele.
Comment: ACMG criteria applied: PM2_SUP

Labcorp Genetics (formerly Invitae), Labcorp
Classification: Uncertain significance. Last evaluated: 2022-07-15. Review status: criteria provided, single submitter. Criteria: Invitae Variant Classification Sherloc (09022015). Collection method: clinical testing. Allele origin: germline.
Comment: This sequence change replaces arginine, which is basic and polar, with cysteine, which is neutral and slightly polar, at codon 999 of the MYO5B protein (p.Arg999Cys). This variant is present in population databases (rs755870645, gnomAD 0.005%). This variant has not been reported in the literature in individuals affected with MYO5B-related conditions. ClinVar contains an entry for this variant (Variation ID: 1038856). Algorithms developed to predict the effect of missense changes on protein structure and function are either unavailable or do not agree on the potential impact of this missense change (SIFT: "Deleterious"; PolyPhen-2: "Possibly Damaging"; Align-GVGD: "Class C0"). In summary, the available evidence is currently insufficient to determine the role of this variant in disease. Therefore, it has been classified as a Variant of Uncertain Significance.

Ambry Genetics
Classification: Uncertain significance for Inborn genetic diseases. Last evaluated: 2021-09-01. Review status: criteria provided, single submitter. Criteria: Ambry Variant Classification Scheme 2023. Collection method: clinical testing. Allele origin: germline.

Breakthrough Genomics
Classification: Uncertain significance. Review status: criteria provided, single submitter. Criteria: ACMG Guidelines, 2015. Collection method: not provided. Allele origin: germline. Inheritance: Autosomal recessive inheritance. Affected: yes.